The following is an entry in ClinVar:

ClinVar aggregate classification (germline): Uncertain significance (1 of 4 stars; one submission).

Conditions:
Hypertrophic cardiomyopathy. Also called: HYPERTROPHIC MYOCARDIOPATHY. Identifiers: Orphanet 217569, MedGen C0007194, MeSH D002312, MONDO:0005045, HP:0001639.

Submission:

Labcorp Genetics (formerly Invitae), Labcorp
Classification: Uncertain significance for Hypertrophic cardiomyopathy. Last evaluated: 2023-01-01. Review status: criteria provided, single submitter. Criteria: Invitae Variant Classification Sherloc (09022015). Collection method: clinical testing. Allele origin: germline.
Comment: This variant is not present in population databases (gnomAD no frequency). This sequence change replaces serine, which is neutral and polar, with arginine, which is basic and polar, at codon 116 of the MYOZ2 protein (p.Ser116Arg). This variant has not been reported in the literature in individuals affected with MYOZ2-related conditions. In summary, the available evidence is currently insufficient to determine the role of this variant in disease. Therefore, it has been classified as a Variant of Uncertain Significance. Advanced modeling of protein sequence and biophysical properties (such as structural, functional, and spatial information, amino acid conservation, physicochemical variation, residue mobility, and thermodynamic stability) performed at Invitae indicates that this missense variant is not expected to disrupt MYOZ2 protein function.

NM_016599.5(MYOZ2):c.348C>G (p.Ser116Arg)

Gene: MYOZ2 (myozenin 2; plus strand). Cytogenetic location: 4q26.
Variant type: single nucleotide variant.
Coding change: c.348C>G on transcript NM_016599.5 (MANE Select); coding-DNA position 348, C replaced by G.
Protein change: p.Ser116Arg; replaces serine 116 with arginine.
Molecular consequence: missense variant.
Genome position (GRCh38, 1-based): chr4:119,158,123, C>G. VCF-style: chr4-119158123-C-G. GRCh37 (hg19) VCF-style: chr4-120079278-C-G.
Other names: short protein forms S116R.
Identifiers: ClinVar variation 2881121 (VCV002881121.3), dbSNP rs2529770730, ClinGen allele CA358203997.